The following is an entry in ClinVar:

NM_133497.4(KCNV2):c.649C>T (p.Gln217Ter)

Gene: KCNV2 (potassium voltage-gated channel modifier subfamily V member 2; plus strand). Cytogenetic location: 9p24.2.
Variant type: single nucleotide variant.
Coding change: c.649C>T on transcript NM_133497.4 (MANE Select); coding-DNA position 649, C replaced by T.
Protein change: p.Gln217Ter; replaces glutamine 217 with a stop codon.
Molecular consequence: nonsense.
Genome position (GRCh38, 1-based): chr9:2,718,388, C>T. VCF-style: chr9-2718388-C-T. GRCh37 (hg19) VCF-style: chr9-2718388-C-T.
Other names: short protein forms Q217*.
Identifiers: ClinVar variation 1446160 (VCV001446160.6), dbSNP rs2130860955, ClinGen allele CA372798602.

ClinVar aggregate classification (germline): Pathogenic (1 of 4 stars; one submission).

Allele frequency attached by ClinVar (database versions not stated): gnomAD exomes below 0.00001.
gnomAD v4.1: 1 of 1,601,172 alleles (0.000062%); highest among the groups gnomAD compares: Non-Finnish European, 0.000085%; no homozygotes.

Submission:

Labcorp Genetics (formerly Invitae), Labcorp
Classification: Pathogenic. Last evaluated: 2022-01-13. Review status: criteria provided, single submitter. Criteria: Invitae Variant Classification Sherloc (09022015). Collection method: clinical testing. Allele origin: germline.
Comment: This variant is not present in population databases (gnomAD no frequency). This sequence change creates a premature translational stop signal (p.Gln217*) in the KCNV2 gene. It is expected to result in an absent or disrupted protein product. Loss-of-function variants in KCNV2 are known to be pathogenic (PMID: 16909397, 18235024). This variant has not been reported in the literature in individuals affected with KCNV2-related conditions. For these reasons, this variant has been classified as Pathogenic.

Literature cited by the submitters: PubMed 16909397; PubMed 18235024.